The following is an entry in ClinVar:

NM_000059.4(BRCA2):c.8291C>T (p.Ala2764Val)

Gene: BRCA2 (BRCA2 DNA repair associated; plus strand). Cytogenetic location: 13q13.1.
Variant type: single nucleotide variant.
Coding change: c.8291C>T on transcript NM_000059.4 (MANE Select); coding-DNA position 8291, C replaced by T.
Protein change: p.Ala2764Val; replaces alanine 2764 with valine.
Molecular consequence: missense variant.
Genome position (GRCh38, 1-based): chr13:32,363,493, C>T. VCF-style: chr13-32363493-C-T. GRCh37 (hg19) VCF-style: chr13-32937630-C-T.
Other names: short protein forms A2764V.
Identifiers: ClinVar variation 495506 (VCV000495506.5), dbSNP rs1555287074, ClinGen allele CA387750132.

ClinVar aggregate classification (germline): Conflicting classifications of pathogenicity. Review status: criteria provided, conflicting classifications (1 of 4 stars). 2 submissions from 2 submitters: Uncertain significance (1); Likely benign (1). Last evaluated 2022-01-09.

Conditions:
Hereditary cancer-predisposing syndrome. Also called: Hereditary neoplastic syndrome; Tumor predisposition; Hereditary Cancer Syndrome; Neoplastic Syndromes, Hereditary. Identifiers: Orphanet 140162, MedGen C0027672, MeSH D009386, MONDO:0015356.

Submissions (2):

Ambry Genetics
Classification: Likely benign for Hereditary cancer-predisposing syndrome. Last evaluated: 2022-01-09. Review status: criteria provided, single submitter. Criteria: Ambry Variant Classification Scheme 2023. Collection method: clinical testing. Allele origin: germline.

Women's Health and Genetics/Laboratory Corporation of America, LabCorp
Classification: Uncertain significance. Last evaluated: 2017-03-16. Review status: criteria provided, single submitter. Criteria: LabCorp Variant Classification Summary - May 2015. Collection method: clinical testing. Allele origin: germline.
Comment: Variant summary: The BRCA2 c.8291C>T (p.Ala2764Val) variant located in the Nucleic acid-binding, OB-fold domain (via InterPro) involves the alteration of a conserved nucleotide, which 4/4 in silico tools (SNPs&GO not captured due to low reliability index) predict a damaging outcome, although these predictions have yet to be functionally assessed. This variant is absent in 121038 control chromosomes (ExAC). The variant of interest has not, to our knowledge, been reported in affected individuals via publications and/or reputable databases/clinical diagnostic laboratories; nor evaluated for functional impact by in vivo/vitro studies. Because of the absence of clinical information and the lack of functional studies, the variant is classified as a "Variant of Uncertain Significance (VUS)," until additional information becomes available.